The following is an entry in ClinVar:

ClinVar aggregate classification (germline): Uncertain significance (1 of 4 stars; one submission).

Submission:

CeGaT Center for Human Genetics Tuebingen
Classification: Uncertain significance. Last evaluated: 2024-05-01. Review status: criteria provided, single submitter. Criteria: CeGaT Center For Human Genetics Tuebingen Variant Classification Criteria Version 2. Collection method: clinical testing. Allele origin: germline. Affected: yes. Observed: 1 variant allele.
Comment: TRAF7: PM2

NM_032271.3(TRAF7):c.268A>G (p.Ile90Val)

Gene: TRAF7 (TNF receptor associated factor 7; plus strand). Cytogenetic location: 16p13.3.
Variant type: single nucleotide variant.
Coding change: c.268A>G on transcript NM_032271.3 (MANE Select); coding-DNA position 268, A replaced by G.
Protein change: p.Ile90Val; replaces isoleucine 90 with valine.
Molecular consequence: missense variant.
Genome position (GRCh38, 1-based): chr16:2,170,650, A>G. VCF-style: chr16-2170650-A-G. GRCh37 (hg19) VCF-style: chr16-2220651-A-G.
Other names: short protein forms I90V.
Identifiers: ClinVar variation 3239493 (VCV003239493.19), dbSNP rs1226377975.
Genomic context (GRCh38, chr16:2,170,650, plus strand): 5'-ACAGGCGCCTCTCCCTCCACACAGCCCCCCATCAGCACTCCCCGCCGCTCCGACTCCGCC[A>G]TCTCTGTCCGCTCCCTGCACTCAGAGTCCAGCATGTCTCTGCGCTCCACATTCTCACTGC-3'
Protein context (NP_115647.2, residues 80-100): ISTPRRSDSA[Ile90Val]SVRSLHSESS